The following is an entry in ClinVar:

ClinVar aggregate classification (germline): Uncertain significance. Review status: criteria provided, multiple submitters, no conflicts (2 of 4 stars). 3 submissions from 3 submitters: Uncertain significance (3). Last evaluated 2025-08-24.

Conditions:
Hereditary cancer-predisposing syndrome. Also called: Hereditary Cancer Syndrome; Hereditary neoplastic syndrome; Tumor predisposition; Neoplastic Syndromes, Hereditary. Identifiers: Orphanet 140162, MedGen C0027672, MeSH D009386, MONDO:0015356.
Rhabdoid tumor predisposition syndrome 2 (RTPS2). Identifiers: Orphanet 231108, Orphanet 69077, MedGen C2750074, MONDO:0013224, OMIM 613325.

Submissions (3):

Ambry Genetics
Classification: Uncertain significance for Hereditary cancer-predisposing syndrome. Last evaluated: 2025-08-24. Review status: criteria provided, single submitter. Criteria: Ambry Variant Classification Scheme 2023. Collection method: clinical testing. Allele origin: germline.

Dasa
Classification: Uncertain significance. Last evaluated: 2025-04-22. Review status: criteria provided, single submitter. Criteria: DASA Assertion Criteria. Collection method: clinical testing. Allele origin: germline.
Comment: NM_003072.5(SMARCA4):c.976A>T (p.Met326Leu) is a missense variant that results in the substitution of methionine with leucine. This variant is absent from population databases. Computational prediction algorithms are consistent with a benign effect. The currently available literature and clinical evidence are not sufficient to establish a definitive association between this variant and the reported condition. Therefore, this variant is classified as a variant of uncertain significance.

Labcorp Genetics (formerly Invitae), Labcorp
Classification: Uncertain significance for Rhabdoid tumor predisposition syndrome 2. Last evaluated: 2018-09-06. Review status: criteria provided, single submitter. Criteria: Invitae Variant Classification Sherloc (09022015). Collection method: clinical testing. Allele origin: germline.
Comment: This sequence change replaces methionine with leucine at codon 326 of the SMARCA4 protein (p.Met326Leu). The methionine residue is highly conserved and there is a small physicochemical difference between methionine and leucine. This variant is not present in population databases (ExAC no frequency). This variant has not been reported in the literature in individuals with SMARCA4-related disease. Algorithms developed to predict the effect of missense changes on protein structure and function are either unavailable or do not agree on the potential impact of this missense change (SIFT: "Deleterious"; PolyPhen-2: "Benign"; Align-GVGD: "Class C0"). In summary, the available evidence is currently insufficient to determine the role of this variant in disease. Therefore, it has been classified as a Variant of Uncertain Significance.

NM_003072.5(SMARCA4):c.976A>T (p.Met326Leu)

Gene: SMARCA4 (SWI/SNF related BAF chromatin remodeling complex subunit ATPase 4; plus strand). Cytogenetic location: 19p13.2.
Variant type: single nucleotide variant.
Coding change: c.976A>T on transcript NM_003072.5 (MANE Select); coding-DNA position 976, A replaced by T.
Protein change: p.Met326Leu; replaces methionine 326 with leucine.
Molecular consequence: missense variant. On other transcripts: non-coding transcript variant (1).
Genome position (GRCh38, 1-based): chr19:10,987,782, A>T. VCF-style: chr19-10987782-A-T. GRCh37 (hg19) VCF-style: chr19-11098458-A-T.
Other names: c.976A>T, p.Met326Leu (NM_001128849.3, NM_001374457.1, NM_001387283.1 and 5 more transcripts); short protein forms M326L.
Identifiers: ClinVar variation 656851 (VCV000656851.11), dbSNP rs1599968988, ClinGen allele CA404058559.